The following is an entry in ClinVar:

NM_001080467.3(MYO5B):c.2731C>T (p.Arg911Cys)

Gene: MYO5B (myosin VB; minus strand). Cytogenetic location: 18q21.1.
Variant type: single nucleotide variant.
Coding change: c.2731C>T on transcript NM_001080467.3 (MANE Select); coding-DNA position 2731, C replaced by T.
Protein change: p.Arg911Cys; replaces arginine 911 with cysteine.
Molecular consequence: missense variant.
Genome position (GRCh38, 1-based): chr18:49,902,674, G>A on the plus strand (C>T on the coding strand, the complement: MYO5B is on the minus strand). VCF-style: chr18-49902674-G-A. GRCh37 (hg19) VCF-style: chr18-47429044-G-A.
Other names: p.Arg911Cys; short protein forms R911C.
Identifiers: ClinVar variation 892479 (VCV000892479.8), dbSNP rs370548179, ClinGen allele CA8960968.

ClinVar aggregate classification (germline): Uncertain significance. Review status: criteria provided, multiple submitters, no conflicts (2 of 4 stars). 4 submissions from 4 submitters: Uncertain significance (4). Last evaluated 2025-12-31.

Conditions:
MYO5B-related disorder. Also called: MYO5B-related condition.
Congenital microvillous atrophy (DIAR2). Also called: Diarrhea 2 with microvillus atrophy, with or without cholestasis; Microvillus inclusion disease; CONGENITAL FAMILIAL PROTRACTED DIARRHEA WITH ENTEROCYTE BRUSH-BORDER ABNORMALITIES; DAVIDSON DISEASE; MICROVILLUS ATROPHY, CONGENITAL. Identifiers: Orphanet 2290, MedGen C0341306, MONDO:0009635, OMIM 251850.

Allele frequency attached by ClinVar (database versions not stated): ExAC 0.00005; gnomAD exomes 0.00005; ESP Exome Variant Server 0.00008; gnomAD 0.00012 and 0.00013; 1000 Genomes Project 0.00020; TOPMed 0.00027; 1000 Genomes Project 30x 0.00031.
gnomAD v4.1: 84 of 1,613,096 alleles (0.0052%); highest among the groups gnomAD compares: Admixed American, 0.03%; no homozygotes.

Submissions (4):

PreventionGenetics, part of Exact Sciences
Classification: Uncertain significance for MYO5B-related condition. Last evaluated: 2025-12-31. Review status: criteria provided, single submitter. Criteria: ACMG Guidelines, 2015. Collection method: clinical testing. Allele origin: germline.
Comment: The MYO5B c.2731C>T variant is predicted to result in the amino acid substitution p.Arg911Cys. To our knowledge, this variant has not been reported in the literature. This variant is reported in 0.017% of alleles in individuals of African descent in gnomAD. At this time, the clinical significance of this variant is uncertain due to the absence of conclusive functional and genetic evidence.

Mayo Clinic Laboratories, Mayo Clinic
Classification: Uncertain significance. Last evaluated: 2024-02-21. Review status: criteria provided, single submitter. Criteria: ACMG Guidelines, 2015. Collection method: clinical testing. Allele origin: germline. Observed: 1 variant allele.

Labcorp Genetics (formerly Invitae), Labcorp
Classification: Uncertain significance. Last evaluated: 2022-08-09. Review status: criteria provided, single submitter. Criteria: Invitae Variant Classification Sherloc (09022015). Collection method: clinical testing. Allele origin: germline.
Comment: This sequence change replaces arginine, which is basic and polar, with cysteine, which is neutral and slightly polar, at codon 911 of the MYO5B protein (p.Arg911Cys). This variant is present in population databases (rs370548179, gnomAD 0.02%). This variant has not been reported in the literature in individuals affected with MYO5B-related conditions. ClinVar contains an entry for this variant (Variation ID: 892479). Algorithms developed to predict the effect of missense changes on protein structure and function are either unavailable or do not agree on the potential impact of this missense change (SIFT: "Deleterious"; PolyPhen-2: "Probably Damaging"; Align-GVGD: "Class C0"). In summary, the available evidence is currently insufficient to determine the role of this variant in disease. Therefore, it has been classified as a Variant of Uncertain Significance.

Illumina Laboratory Services, Illumina
Classification: Uncertain significance for Congenital microvillous atrophy. Last evaluated: 2018-01-12. Review status: criteria provided, single submitter. Criteria: ICSL Variant Classification Criteria 13 December 2019. Collection method: clinical testing. Allele origin: germline.